The following is an entry in ClinVar:

ClinVar aggregate classification (germline): Uncertain significance (1 of 4 stars; one submission).

gnomAD v4.1: 1 of 1,614,050 alleles (0.000062%); highest among the groups gnomAD compares: Non-Finnish European, 0.000085%; no homozygotes.

Submission:

Labcorp Genetics (formerly Invitae), Labcorp
Classification: Uncertain significance. Last evaluated: 2025-07-23. Review status: criteria provided, single submitter. Criteria: Invitae Variant Classification Sherloc (09022015). Collection method: clinical testing. Allele origin: germline.
Comment: This sequence change replaces glycine, which is neutral and non-polar, with serine, which is neutral and polar, at codon 1834 of the KMT2A protein (p.Gly1834Ser). This variant is not present in population databases (gnomAD no frequency). This variant has not been reported in the literature in individuals affected with KMT2A-related conditions. Invitae Evidence Modeling of protein sequence and biophysical properties (such as structural, functional, and spatial information, amino acid conservation, physicochemical variation, residue mobility, and thermodynamic stability) indicates that this missense variant is not expected to disrupt KMT2A protein function with a negative predictive value of 95%. In summary, the available evidence is currently insufficient to determine the role of this variant in disease. Therefore, it has been classified as a Variant of Uncertain Significance.

NM_001197104.2(KMT2A):c.5500G>A (p.Gly1834Ser)

Gene: KMT2A (lysine methyltransferase 2A; plus strand). Cytogenetic location: 11q23.3.
Variant type: single nucleotide variant.
Coding change: c.5500G>A on transcript NM_001197104.2 (MANE Select); coding-DNA position 5500, G replaced by A.
Protein change: p.Gly1834Ser; replaces glycine 1834 with serine.
Molecular consequence: missense variant.
Genome position (GRCh38, 1-based): chr11:118,495,836, G>A. VCF-style: chr11-118495836-G-A. GRCh37 (hg19) VCF-style: chr11-118366551-G-A.
Other names: c.5590G>A, p.Gly1864Ser (NM_001412597.1); c.5491G>A, p.Gly1831Ser (NM_005933.4); short protein forms G1831S, G1834S, G1864S.
Identifiers: ClinVar variation 4800543 (VCV004800543.1).
Genomic context (GRCh38, chr11:118,495,836, plus strand): 5'-AACAGCCACACTGAGCAGCCTCCTTTAATGAAGAAAATCATTCCAGCTCCCAAACCCAAA[G>A]GTCCTGGAGAACCAGACTCACCAACTCCTCTGCATCCTCCTACACCACCAATTTTGAGTA-3'
Protein context (NP_001184033.1, residues 1824-1844): KKIIPAPKPK[Gly1834Ser]PGEPDSPTPL